The following is an entry in ClinVar:

ClinVar aggregate classification (germline): Benign/Likely benign. Review status: criteria provided, multiple submitters, no conflicts (2 of 4 stars). 6 submissions from 6 submitters: Benign (3); Likely benign (3). Last evaluated 2026-01-27.

Allele frequency attached by ClinVar (database versions not stated): 1000 Genomes Project 0.00160; 1000 Genomes Project 30x 0.00172; ESP Exome Variant Server 0.00300; gnomAD 0.00326 and 0.00332; ExAC 0.00357; gnomAD exomes 0.00368 and 0.00374; TOPMed 0.00372.
gnomAD v4.1: 5,956 of 1,613,498 alleles (0.37%); highest among the groups gnomAD compares: Middle Eastern, 2.5%; 23 homozygotes.

Submissions (6):

Labcorp Genetics (formerly Invitae), Labcorp
Classification: Benign. Last evaluated: 2026-01-27. Review status: criteria provided, single submitter. Criteria: Invitae Variant Classification Sherloc (09022015). Collection method: clinical testing. Allele origin: germline.

CeGaT Center for Human Genetics Tuebingen
Classification: Likely benign. Last evaluated: 2024-11-01. Review status: criteria provided, single submitter. Criteria: CeGaT Center For Human Genetics Tuebingen Variant Classification Criteria Version 2. Collection method: clinical testing. Allele origin: germline. Affected: yes. Observed: 5 variant alleles.
Comment: TNFRSF9: BP4, BS2

Mayo Clinic Laboratories, Mayo Clinic
Classification: Benign. Last evaluated: 2024-08-01. Review status: criteria provided, single submitter. Criteria: ACMG Guidelines, 2015. Collection method: clinical testing. Allele origin: germline. Observed: 2 variant alleles.
Comment: BS1, BS2, BP4

Genetic Services Laboratory, University of Chicago
Classification: Likely benign. Last evaluated: 2021-06-22. Review status: criteria provided, single submitter. Criteria: ACMG Guidelines, 2015. Collection method: clinical testing. Allele origin: germline. Affected: no.

Genomic Diagnostic Laboratory, Division of Genomic Diagnostics, Children's Hospital of Philadelphia
Classification: Benign. Last evaluated: 2015-11-20. Review status: criteria provided, single submitter. Criteria: DGD Variant Analysis Guidelines. Collection method: clinical testing. Allele origin: unknown.

Breakthrough Genomics
Classification: Likely benign. Review status: criteria provided, single submitter. Criteria: ACMG Guidelines, 2015. Collection method: not provided. Allele origin: germline. Inheritance: Autosomal recessive inheritance. Affected: yes.

NM_001561.6(TNFRSF9):c.166G>A (p.Ala56Thr)

Gene: TNFRSF9 (TNF receptor superfamily member 9; minus strand). Cytogenetic location: 1p36.23.
Variant type: single nucleotide variant.
Coding change: c.166G>A on transcript NM_001561.6 (MANE Select); coding-DNA position 166, G replaced by A.
Protein change: p.Ala56Thr; replaces alanine 56 with threonine.
Molecular consequence: missense variant.
Genome position (GRCh38, 1-based): chr1:7,938,763, C>T on the plus strand (G>A on the coding strand, the complement: TNFRSF9 is on the minus strand). VCF-style: chr1-7938763-C-T. GRCh37 (hg19) VCF-style: chr1-7998823-C-T.
Other names: short protein forms A56T.
Identifiers: ClinVar variation 252590 (VCV000252590.39), dbSNP rs9657963, ClinGen allele CA569325.